The following is an entry in ClinVar:

NM_001372044.2(SHANK3):c.784G>A (p.Val262Met)

Gene: SHANK3 (SH3 and multiple ankyrin repeat domains 3; plus strand). Cytogenetic location: 22q13.33.
Variant type: single nucleotide variant.
Coding change: c.784G>A on transcript NM_001372044.2 (MANE Select); coding-DNA position 784, G replaced by A.
Protein change: p.Val262Met; replaces valine 262 with methionine.
Molecular consequence: missense variant.
Genome position (GRCh38, 1-based): chr22:50,678,879, G>A. VCF-style: chr22-50678879-G-A. GRCh37 (hg19) VCF-style: chr22-51117307-G-A.
Other names: c.559G>A (NM_033517.1); short protein forms V262M.
Identifiers: ClinVar variation 4864485 (VCV004864485.1).

ClinVar aggregate classification (germline): Uncertain significance (1 of 4 stars; one submission).

Conditions:
Inborn genetic diseases. Identifiers: MedGen C0950123, MeSH D030342.

Submission:

Ambry Genetics
Classification: Uncertain significance for Inborn genetic diseases. Last evaluated: 2026-05-18. Review status: criteria provided, single submitter. Criteria: Ambry Variant Classification Scheme 2023. Collection method: clinical testing. Allele origin: germline.
Comment: The c.559G>A (p.V187M) alteration is located in exon 5 (coding exon 5) of the SHANK3 gene. This alteration results from a G to A substitution at nucleotide position 559, causing the valine (V) at amino acid position 187 to be replaced by a methionine (M). Based on data from gnomAD, the A allele has an overall frequency of 0.003% (7/233086) total alleles studied. The highest observed frequency was 0.041% (7/17120) of East Asian alleles. Based on insufficient or conflicting evidence, the clinical significance of this alteration remains unclear.